The following is an entry in ClinVar:

ClinVar aggregate classification (germline): Uncertain significance. Review status: criteria provided, multiple submitters, no conflicts (2 of 4 stars). 3 submissions from 3 submitters: Uncertain significance (3). Last evaluated 2025-08-11.

Conditions:
Hereditary spastic paraplegia. Also called: Familial spastic paraparesis. Identifiers: Orphanet 685, MedGen C0037773, MONDO:0019064. Disease mechanism: loss of function.
Hereditary spastic paraplegia 4. Also called: Familial spastic paraplegia autosomal dominant 2; Spastic Paraplegia 4; Spastic paraplegia 4, autosomal dominant. Identifiers: Orphanet 100985, MedGen C1866855, MONDO:0008438, OMIM 182601.

gnomAD v4.1: 10 of 1,613,428 alleles (0.00062%); highest among the groups gnomAD compares: African/African-American, 0.0027%; no homozygotes.

Submissions (3):

Labcorp Genetics (formerly Invitae), Labcorp
Classification: Uncertain significance for Hereditary spastic paraplegia 4. Last evaluated: 2025-08-11. Review status: criteria provided, single submitter. Criteria: Invitae Variant Classification Sherloc (09022015). Collection method: clinical testing. Allele origin: germline.
Comment: This sequence change replaces threonine, which is neutral and polar, with isoleucine, which is neutral and non-polar, at codon 288 of the SPAST protein (p.Thr288Ile). This variant is present in population databases (rs148680726, gnomAD 0.004%). This variant has not been reported in the literature in individuals affected with SPAST-related conditions. ClinVar contains an entry for this variant (Variation ID: 1344069). Invitae Evidence Modeling of protein sequence and biophysical properties (such as structural, functional, and spatial information, amino acid conservation, physicochemical variation, residue mobility, and thermodynamic stability) indicates that this missense variant is not expected to disrupt SPAST protein function with a negative predictive value of 80%. In summary, the available evidence is currently insufficient to determine the role of this variant in disease. Therefore, it has been classified as a Variant of Uncertain Significance.

Fulgent Genetics
Classification: Uncertain significance for Hereditary spastic paraplegia 4. Last evaluated: 2024-02-09. Review status: criteria provided, single submitter. Criteria: ACMG Guidelines, 2015. Collection method: clinical testing. Allele origin: germline.

Genome Diagnostics Laboratory, The Hospital for Sick Children
Classification: Uncertain significance for Hereditary spastic paraplegia. Last evaluated: 2016-12-12. Review status: criteria provided, single submitter. Criteria: ACMG Guidelines, 2015. Collection method: clinical testing. Allele origin: germline. Affected: yes.

NM_014946.4(SPAST):c.863C>T (p.Thr288Ile)

Gene: SPAST (spastin; plus strand). Cytogenetic location: 2p22.3.
Variant type: single nucleotide variant.
Coding change: c.863C>T on transcript NM_014946.4 (MANE Select); coding-DNA position 863, C replaced by T.
Protein change: p.Thr288Ile; replaces threonine 288 with isoleucine.
Molecular consequence: missense variant.
Genome position (GRCh38, 1-based): chr2:32,114,818, C>T. VCF-style: chr2-32114818-C-T. GRCh37 (hg19) VCF-style: chr2-32339887-C-T.
Other names: c.860C>T, p.Thr287Ile (NM_001363823.2); c.764C>T, p.Thr255Ile (NM_001363875.2); c.767C>T, p.Thr256Ile (NM_001377959.1, NM_199436.2); short protein forms T255I, T256I, T287I, T288I.
Identifiers: ClinVar variation 1344069 (VCV001344069.7), dbSNP rs148680726, ClinGen allele CA1600720.